The following is an entry in ClinVar:

NM_000170.3(GLDC):c.2919C>G (p.Leu973=)

Gene: GLDC (glycine decarboxylase; minus strand). Cytogenetic location: 9p24.1.
Variant type: single nucleotide variant.
Coding change: c.2919C>G on transcript NM_000170.3 (MANE Select); coding-DNA position 2919, C replaced by G.
Protein change: p.Leu973=; no amino-acid change (leucine 973 retained).
Molecular consequence: synonymous variant.
Genome position (GRCh38, 1-based): chr9:6,534,708, G>C on the plus strand (C>G on the coding strand, the complement: GLDC is on the minus strand). VCF-style: chr9-6534708-G-C. GRCh37 (hg19) VCF-style: chr9-6534708-G-C.
Identifiers: ClinVar variation 952019 (VCV000952019.10), dbSNP rs113736090, ClinGen allele CA188643914.
Genomic context (GRCh38, chr9:6,534,708, plus strand): 5'-GTCAGGATAGGAGCTGGCCCATGCCTTCCCAGCTGGCACATTCAGATTCAGAGAACTTAC[G>C]AGTGGGAATGCTGCCACCTCTCTGGAATAAGGCCGGTCCCAGTGGGAAGATGTAACGCAG-3'
Protein context (NP_000161.2, residues 963-983): PYSREVAAFP[Leu973=]PFVKPENKFW

ClinVar aggregate classification (germline): Uncertain significance. Review status: criteria provided, single submitter (1 of 4 stars). 2 submissions from 2 submitters: Uncertain significance (1). 1 of the submissions does not count toward it. Last evaluated 2022-08-31.

Conditions:
Glycine encephalopathy. Also called: Nonketotic hyperglycinemia; Non-ketotic hyperglycinemia. Identifiers: Orphanet 407, MedGen C0751748, MONDO:0011612, HP:0008288.

Allele frequency attached by ClinVar (database versions not stated): TOPMed 0.00001.
gnomAD v4.1: 13 of 1,548,060 alleles (0.00084%); highest among the groups gnomAD compares: African/African-American, 0.0068%; no homozygotes.

Submissions (2):

Labcorp Genetics (formerly Invitae), Labcorp
Classification: Uncertain significance for Glycine encephalopathy. Last evaluated: 2022-08-31. Review status: criteria provided, single submitter. Criteria: Invitae Variant Classification Sherloc (09022015). Collection method: clinical testing. Allele origin: germline.
Comment: This sequence change affects codon 973 of the GLDC mRNA. It is a 'silent' change, meaning that it does not change the encoded amino acid sequence of the GLDC protein. It affects a nucleotide within the consensus splice site. This variant is not present in population databases (gnomAD no frequency). This variant has not been reported in the literature in individuals affected with GLDC-related conditions. ClinVar contains an entry for this variant (Variation ID: 952019). Algorithms developed to predict the effect of sequence changes on RNA splicing suggest that this variant is not likely to affect RNA splicing. In summary, the available evidence is currently insufficient to determine the role of this variant in disease. Therefore, it has been classified as a Variant of Uncertain Significance.

Natera, Inc.
Classification: Uncertain significance for Non-ketotic hyperglycinemia. Last evaluated: 2020-05-19. Review status: no assertion criteria provided. Collection method: clinical testing. Allele origin: germline. Not counted in ClinVar's aggregate classification.